The following is an entry in ClinVar:

ClinVar aggregate classification (germline): Benign/Likely benign. Review status: criteria provided, single submitter (1 of 4 stars). 5 submissions from 1 submitter: Benign (4); Likely benign (1). Last evaluated 2018-01-12.

Conditions:
Beare-Stevenson cutis gyrata syndrome (BSTVS). Identifiers: Orphanet 1555, MedGen C1852406, MONDO:0007412, OMIM 123790.
Isolated Coronal Synostosis. Identifiers: MedGen CN043619.
Craniosynostosis syndrome. Also called: Craniosynostosis. Identifiers: Orphanet 1531, MedGen C0010278, MeSH D003398, MONDO:0015469, HP:0001363.
Crouzon syndrome. Also called: CRANIOFACIAL DYSOSTOSIS, TYPE I; Craniofacial dysostosis; Craniofacial dysostosis type 1; Crouzon craniofacial dysostosis; Crouzon disease. Identifiers: Orphanet 207, MedGen C0010273, MeSH D003394, MONDO:0007405, OMIM 123500, HP:0004439.
Saethre-Chotzen syndrome (SCS). Also called: ACROCEPHALY, SKULL ASYMMETRY, AND MILD SYNDACTYLY; ACS III; CHOTZEN SYNDROME. Identifiers: Orphanet 794, MedGen C0175699, MONDO:0007042, OMIM 101400.

Allele frequency attached by ClinVar (database versions not stated): 1000 Genomes Project 30x 0.00718; 1000 Genomes Project 0.00759; TOPMed 0.01127; gnomAD 0.01366 and 0.01380; gnomAD exomes 0.01572.

Submissions (5):

Illumina Laboratory Services, Illumina
Classification: Benign for Beare-Stevenson cutis gyrata syndrome. Last evaluated: 2018-01-12. Review status: criteria provided, single submitter. Criteria: ICSL Variant Classification Criteria 13 December 2019. Collection method: clinical testing. Allele origin: germline.
Comment: This variant was observed in the ICSL laboratory as part of a predisposition screen in an ostensibly healthy population. It had not been previously curated by ICSL or reported in the Human Gene Mutation Database (HGMD: prior to June 1st, 2018), and was therefore a candidate for classification through an automated scoring system. Utilizing variant allele frequency, disease prevalence and penetrance estimates, and inheritance mode, an automated score was calculated to assess if this variant is too frequent to cause the disease. Based on the score and internal cut-off values, a variant classified as benign is not then subjected to further curation. The score for this variant resulted in a classification of benign for this disease.

Illumina Laboratory Services, Illumina
Classification: Benign for Craniosynostosis. Last evaluated: 2018-01-12. Review status: criteria provided, single submitter. Criteria: ICSL Variant Classification Criteria 13 December 2019. Collection method: clinical testing. Allele origin: germline.
Comment: the same text as in the submission from Illumina Laboratory Services, Illumina above.

Illumina Laboratory Services, Illumina
Classification: Likely benign for Isolated coronal synostosis. Last evaluated: 2018-01-12. Review status: criteria provided, single submitter. Criteria: ICSL Variant Classification Criteria 13 December 2019. Collection method: clinical testing. Allele origin: germline.
Comment: This variant was observed in the ICSL laboratory as part of a predisposition screen in an ostensibly healthy population. It had not been previously curated by ICSL or reported in the Human Gene Mutation Database (HGMD: prior to June 1st, 2018), and was therefore a candidate for classification through an automated scoring system. Utilizing variant allele frequency, disease prevalence and penetrance estimates, and inheritance mode, an automated score was calculated to assess if this variant is too frequent to cause the disease. Based on the score and internal cut-off values, a variant classified as likely benign is not then subjected to further curation. The score for this variant resulted in a classification of likely benign for this disease.

Illumina Laboratory Services, Illumina
Classification: Benign for Saethre-Chotzen syndrome. Last evaluated: 2018-01-12. Review status: criteria provided, single submitter. Criteria: ICSL Variant Classification Criteria 13 December 2019. Collection method: clinical testing. Allele origin: germline.
Comment: the same text as in the submission from Illumina Laboratory Services, Illumina above.

Illumina Laboratory Services, Illumina
Classification: Benign for Crouzon syndrome. Last evaluated: 2018-01-12. Review status: criteria provided, single submitter. Criteria: ICSL Variant Classification Criteria 13 December 2019. Collection method: clinical testing. Allele origin: germline.
Comment: the same text as in the submission from Illumina Laboratory Services, Illumina above.

NM_000141.5(FGFR2):c.*1319A>G

Gene: FGFR2 (fibroblast growth factor receptor 2; minus strand). Cytogenetic location: 10q26.13.
Variant type: single nucleotide variant.
Coding change: c.*1319A>G on transcript NM_000141.5 (MANE Select); 1319 bases downstream of the stop codon, A replaced by G.
Molecular consequence: 3 prime UTR variant. On other transcripts: non-coding transcript variant (1).
Genome position (GRCh38, 1-based): chr10:121,478,538, T>C on the plus strand (A>G on the coding strand, the complement: FGFR2 is on the minus strand). VCF-style: chr10-121478538-T-C. GRCh37 (hg19) VCF-style: chr10-123238052-T-C.
Other names: c.*1319A>G (NM_001144914.1, NM_001144916.2, NM_001144917.2 and 5 more transcripts); c.*1043A>G (NM_001144915.2).
Identifiers: ClinVar variation 298978 (VCV000298978.5), dbSNP rs3135830, ClinGen allele CA10634792.